The following is an entry in ClinVar:

ClinVar aggregate classification (germline): Uncertain significance (1 of 4 stars; one submission).

Conditions:
Muscular dystrophy-dystroglycanopathy (congenital with brain and eye anomalies), type A, 7. Also called: WALKER-WARBURG SYNDROME OR MUSCLE-EYE-BRAIN DISEASE, ISPD-RELATED; Congenital muscular dystrophy-dystroglycanopathy with brain and eye anomalies, type A7. Identifiers: Orphanet 899, MedGen C3553330, MONDO:0013835, OMIM 614643.
Autosomal recessive limb-girdle muscular dystrophy type 2U. Also called: MUSCULAR DYSTROPHY, LIMB-GIRDLE, TYPE 2U; Muscular dystrophy-dystroglycanopathy (limb-girdle), type c, 7. Identifiers: Orphanet 352479, MedGen C5190987, MONDO:0014474, OMIM 616052.

gnomAD v4.1: 2 of 1,270,768 alleles (0.00016%); highest among the groups gnomAD compares: Non-Finnish European, 0.0002%; no homozygotes.

Submission:

Labcorp Genetics (formerly Invitae), Labcorp
Classification: Uncertain significance for Muscular dystrophy-dystroglycanopathy (congenital with brain and eye anomalies), type A, 7; Autosomal recessive limb-girdle muscular dystrophy type 2U. Last evaluated: 2022-07-23. Review status: criteria provided, single submitter. Criteria: Invitae Variant Classification Sherloc (09022015). Collection method: clinical testing. Allele origin: germline.
Comment: In summary, the available evidence is currently insufficient to determine the role of this variant in disease. Therefore, it has been classified as a Variant of Uncertain Significance. Algorithms developed to predict the effect of missense changes on protein structure and function are either unavailable or do not agree on the potential impact of this missense change (SIFT: "Deleterious"; PolyPhen-2: "Possibly Damaging"; Align-GVGD: "Class C0"). ClinVar contains an entry for this variant (Variation ID: 934867). This variant has not been reported in the literature in individuals affected with ISPD-related conditions. This variant is not present in population databases (gnomAD no frequency). This sequence change replaces proline, which is neutral and non-polar, with leucine, which is neutral and non-polar, at codon 11 of the ISPD protein (p.Pro11Leu).

NM_001101426.4(CRPPA):c.32C>T (p.Pro11Leu)

Genes: CRPPA (CDP-L-ribitol pyrophosphorylase A; minus strand), LOC129998005 (ATAC-STARR-seq lymphoblastoid silent region 17982; plus strand). Cytogenetic location: 7p21.2.
Variant type: single nucleotide variant.
Coding change: c.32C>T on transcript NM_001101426.4 (MANE Select); coding-DNA position 32, C replaced by T.
Protein change: p.Pro11Leu; replaces proline 11 with leucine.
Molecular consequence: missense variant. On other transcripts: non-coding transcript variant (1).
Genome position (GRCh38, 1-based): chr7:16,421,291, G>A on the plus strand (C>T on the coding strand, the complement: CRPPA is on the minus strand). VCF-style: chr7-16421291-G-A. GRCh37 (hg19) VCF-style: chr7-16460916-G-A.
Other names: c.32C>T, p.Pro11Leu (NM_001101417.4, NM_001368197.1); short protein forms P11L.
Identifiers: ClinVar variation 934867 (VCV000934867.10), dbSNP rs192925278, ClinGen allele CA367004532.